The following is an entry in ClinVar:

NM_024652.6(LRRK1):c.3439+1G>C

Genes: LRRK1 (leucine rich repeat kinase 1; plus strand), LRRK1-AS1 (LRRK1 antisense RNA 1; minus strand). Cytogenetic location: 15q26.3.
Variant type: single nucleotide variant.
Coding change: c.3439+1G>C on transcript NM_024652.6 (MANE Select); the canonical splice donor site of the intron after coding-DNA position 3439, G replaced by C.
Molecular consequence: splice donor variant.
Genome position (GRCh38, 1-based): chr15:101,049,784, G>C. VCF-style: chr15-101049784-G-C. GRCh37 (hg19) VCF-style: chr15-101589989-G-C.
Identifiers: ClinVar variation 2118954 (VCV002118954.4), dbSNP rs747930349, ClinGen allele CA7761517.

ClinVar aggregate classification (germline): Likely pathogenic (1 of 4 stars; one submission).

Allele frequency attached by ClinVar (database versions not stated): ExAC 0.00001.
gnomAD v4.1: 3 of 1,612,210 alleles (0.00019%); highest among the groups gnomAD compares: South Asian, 0.0033%; no homozygotes.

Submission:

Labcorp Genetics (formerly Invitae), Labcorp
Classification: Likely pathogenic. Last evaluated: 2022-05-09. Review status: criteria provided, single submitter. Criteria: Invitae Variant Classification Sherloc (09022015). Collection method: clinical testing. Allele origin: germline.
Comment: In summary, the currently available evidence indicates that the variant is pathogenic, but additional data are needed to prove that conclusively. Therefore, this variant has been classified as Likely Pathogenic. Algorithms developed to predict the effect of sequence changes on RNA splicing suggest that this variant may disrupt the consensus splice site. This variant has not been reported in the literature in individuals affected with LRRK1-related conditions. This variant is present in population databases (rs747930349, gnomAD 0.003%). This sequence change affects a donor splice site in intron 23 of the LRRK1 gene. It is expected to disrupt RNA splicing. Variants that disrupt the donor or acceptor splice site typically lead to a loss of protein function (PMID: 16199547), and loss-of-function variants in LRRK1 are known to be pathogenic (PMID: 23526378, 31571209, 32119750).

Literature cited by the submitters: PubMed 16199547; PubMed 23526378; PubMed 31571209; PubMed 32119750.